The following is an entry in ClinVar:

NM_024753.5(TTC21B):c.863T>C (p.Phe288Ser)

Gene: TTC21B (tetratricopeptide repeat domain 21B; minus strand). Cytogenetic location: 2q24.3.
Variant type: single nucleotide variant.
Coding change: c.863T>C on transcript NM_024753.5 (MANE Select); coding-DNA position 863, T replaced by C.
Protein change: p.Phe288Ser; replaces phenylalanine 288 with serine.
Molecular consequence: missense variant.
Genome position (GRCh38, 1-based): chr2:165,931,789, A>G on the plus strand (T>C on the coding strand, the complement: TTC21B is on the minus strand). VCF-style: chr2-165931789-A-G. GRCh37 (hg19) VCF-style: chr2-166788299-A-G.
Other names: c.863T>C (NM_024753.4); short protein forms F288S.
Identifiers: ClinVar variation 2928263 (VCV002928263.5), dbSNP rs761856542, ClinGen allele CA1942315.

ClinVar aggregate classification (germline): Conflicting classifications of pathogenicity. Review status: criteria provided, conflicting classifications (1 of 4 stars). 3 submissions from 3 submitters: Uncertain significance (1); Benign (1); Likely benign (1). Last evaluated 2024-12-06.

Conditions:
Jeune thoracic dystrophy. Also called: Jeune syndrome; Infantile thoracic dystrophy; Thoracic pelvic phalangeal dystrophy; Jeune's syndrome; Chondroectodermal dysplasia-like syndrome; Short-rib thoracic dysplasia. Identifiers: Orphanet 474, MedGen C0265275, MONDO:0018770.
Nephronophthisis. Also called: Juvenile Nephronophthisis. Identifiers: Orphanet 655, MedGen C0687120, MONDO:0019005, HP:0000090.
Asphyxiating thoracic dystrophy 4 (SRTD4). Also called: SHORT-RIB THORACIC DYSPLASIA 4; SHORT-RIB THORACIC DYSPLASIA 4 WITH OR WITHOUT POLYDACTYLY. Identifiers: Orphanet 474, MedGen C3151185, MONDO:0013441, OMIM 613819.
Nephronophthisis 12 (NPHP12). Identifiers: Orphanet 655, MedGen C3151186, MONDO:0013442, OMIM 613820.
TTC21B-related disorder. Also called: TTC21B-related condition; TTC21B-related disorders.

Allele frequency attached by ClinVar (database versions not stated): TOPMed below 0.00001; gnomAD 0.00005; gnomAD exomes 0.00009; ExAC 0.00025.
gnomAD v4.1: 137 of 1,613,510 alleles (0.0085%); highest among the groups gnomAD compares: South Asian, 0.15%; 1 homozygote.

Submissions (3):

PreventionGenetics, part of Exact Sciences
Classification: Likely benign for TTC21B-related condition. Last evaluated: 2024-12-06. Review status: criteria provided, single submitter. Criteria: ACMG Guidelines, 2015. Collection method: clinical testing. Allele origin: germline.
Comment: This variant is classified as likely benign based on ACMG/AMP sequence variant interpretation guidelines (Richards et al. 2015 PMID: 25741868, with internal and published modifications).

Labcorp Genetics (formerly Invitae), Labcorp
Classification: Benign for Jeune thoracic dystrophy; Nephronophthisis. Last evaluated: 2024-12-04. Review status: criteria provided, single submitter. Criteria: Invitae Variant Classification Sherloc (09022015). Collection method: clinical testing. Allele origin: germline.

Fulgent Genetics
Classification: Uncertain significance for Asphyxiating thoracic dystrophy 4; Nephronophthisis 12. Last evaluated: 2024-06-19. Review status: criteria provided, single submitter. Criteria: ACMG Guidelines, 2015. Collection method: clinical testing. Allele origin: germline.